The following is an entry in ClinVar:

ClinVar aggregate classification (germline): Uncertain significance. Review status: criteria provided, multiple submitters, no conflicts (2 of 4 stars). 2 submissions from 2 submitters: Uncertain significance (2). Last evaluated 2025-04-09.

Allele frequency attached by ClinVar (database versions not stated): gnomAD exomes 0.00002; TOPMed below 0.00001; gnomAD 0.00001.
gnomAD v4.1: 26 of 1,210,206 alleles (0.0021%); highest among the groups gnomAD compares: Non-Finnish European, 0.0026%; no homozygotes.

Submissions (2):

Labcorp Genetics (formerly Invitae), Labcorp
Classification: Uncertain significance. Last evaluated: 2025-04-09. Review status: criteria provided, single submitter. Criteria: Invitae Variant Classification Sherloc (09022015). Collection method: clinical testing. Allele origin: germline.
Comment: This sequence change replaces threonine, which is neutral and polar, with isoleucine, which is neutral and non-polar, at codon 204 of the TLR7 protein (p.Thr204Ile). This variant is not present in population databases (gnomAD no frequency). This variant has not been reported in the literature in individuals affected with TLR7-related conditions. ClinVar contains an entry for this variant (Variation ID: 2466091). An algorithm developed to predict the effect of missense changes on protein structure and function (PolyPhen-2) suggests that this variant is likely to be tolerated. In summary, the available evidence is currently insufficient to determine the role of this variant in disease. Therefore, it has been classified as a Variant of Uncertain Significance.

Ambry Genetics
Classification: Uncertain significance. Last evaluated: 2023-02-17. Review status: criteria provided, single submitter. Criteria: Ambry Variant Classification Scheme 2023. Collection method: clinical testing. Allele origin: germline.

NM_016562.4(TLR7):c.611C>T (p.Thr204Ile)

Gene: TLR7 (toll like receptor 7; plus strand). Cytogenetic location: Xp22.2.
Variant type: single nucleotide variant.
Coding change: c.611C>T on transcript NM_016562.4 (MANE Select); coding-DNA position 611, C replaced by T.
Protein change: p.Thr204Ile; replaces threonine 204 with isoleucine.
Molecular consequence: missense variant.
Genome position (GRCh38, 1-based): chrX:12,886,119, C>T. VCF-style: chrX-12886119-C-T. GRCh37 (hg19) VCF-style: chrX-12904238-C-T.
Other names: short protein forms T204I.
Identifiers: ClinVar variation 2466091 (VCV002466091.5), dbSNP rs1209673219, ClinGen allele CA412405219.